The following is an entry in ClinVar:

ClinVar aggregate classification (germline): Pathogenic (1 of 4 stars; one submission).

Conditions:
Neurodevelopmental disorder with microcephaly, arthrogryposis, and structural brain anomalies. Identifiers: Orphanet 664923, MedGen C5231431, MONDO:0032838, OMIM 618622.

Submission:

Victorian Clinical Genetics Services, Murdoch Childrens Research Institute
Classification: Pathogenic for Neurodevelopmental disorder with microcephaly, arthrogryposis, and structural brain anomalies. Last evaluated: 2020-05-21. Review status: criteria provided, single submitter. Criteria: ACMG Guidelines, 2015. Collection method: clinical testing. Allele origin: germline. Inheritance: Autosomal recessive inheritance. Affected: yes.
Comment: Based on the classification scheme VCGS_Germline_v0.6.1, this variant is classified as pathogenic. Following criteria are met: 0102 - Loss of function is a known mechanism of disease for this gene. (N) 0106 - This gene is known to be associated with autosomal recessive disease. (N) 0201 - Variant is predicted to cause nonsense-mediated decay (NMD) and loss of protein. (P) 0304 - Variant is present in gnomAD <0.01 for recessive indication. (P) 0404 - Variant is located in a gene associated with a severe early onset RECESSIVE condition that is TOLERANT to bi-allelic loss-of-function variants. (B) 0702 – Multiple comparable variants also predicted to cause NMD, have strong previous evidence for pathogenicity (PMID:31495489). (P) 0807 - Variant has not previously been reported in a clinical context. (N) 0905 - No published segregation evidence has been identified for this variant. (N) 1007 - No published functional evidence has been identified for this variant. (N) Legend: (P) - Pathogenic, (N) - Neutral, (B) - Benign

Literature cited by the submitters: PubMed 31495489.

NM_017951.5(SMPD4):c.-43del

Gene: SMPD4 (sphingomyelin phosphodiesterase 4; minus strand). Cytogenetic location: 2q21.1.
Variant type: Deletion.
Coding change: c.-43del on transcript NM_017951.5 (MANE Select); 43 bases upstream of the start codon, one base deleted (G; older notation c.-43delG).
Molecular consequence: 5 prime UTR variant. On other transcripts: frameshift variant (2), non-coding transcript variant (2).
Genome position (GRCh38, 1-based): chr2:130,176,635, C deleted on the plus strand (G on the coding strand, the reverse complement: SMPD4 is on the minus strand); the first of 2 consecutive C bases (chr2:130,176,635-130,176,636); deleting either gives the same sequence. VCF-style (leftmost placement, unchanged base first): chr2-130176634-AC-A. GRCh37 (hg19) VCF-style: chr2-130934207-AC-A.
Other names: c.75del, p.Trp25fs (NM_001171083.2, NM_017751.4); short protein forms W25fs.
Identifiers: ClinVar variation 1805741 (VCV001805741.1), dbSNP rs773722168, ClinGen allele CA55480373.
Genomic context (GRCh38, chr2:130,176,634, plus strand): 5'-GCAGGTGAGGGAACGCCATAGCAGCCTCCAGTGGAGAGTTGAAAATGGCCTTCTTAGCAA[AC>A]CACTGTGGAAAAACAAAGACAAAATCTCAACATCTGTAACACAGCAGAATCTTTTTATAT-3'